The following is an entry in ClinVar:

NM_000038.6(APC):c.415_416insC (p.Lys139fs)

Gene: APC (APC regulator of Wnt signaling pathway; plus strand). Cytogenetic location: 5q22.2.
Variant type: Insertion.
Coding change: c.415_416insC on transcript NM_000038.6 (MANE Select); coding-DNA positions 415 to 416, C inserted.
Protein change: p.Lys139fs; shifts the reading frame from lysine 139.
Molecular consequence: frameshift variant. On other transcripts: 5 prime UTR variant (1).
Genome position: GRCh38 VCF-style: chr5-112767383-A-AC. GRCh37 (hg19) VCF-style: chr5-112103080-A-AC.
Other names: c.415_416insC, p.Lys139fs (NM_001127510.3, NM_001354895.2, NM_001354896.2 and 2 more transcripts); c.445_446insC, p.Lys149fs (NM_001127511.3, NM_001354897.2, NM_001354902.2); c.340_341insC, p.Lys114fs (NM_001354898.2, NM_001354904.2); c.238_239insC, p.Lys80fs (NM_001354900.2, NM_001354901.2, NM_001354905.2); c.415_416insC, p.Lys139Thrfs (NM_001407450.1, NM_001407452.1, NM_001407454.1 and 11 more transcripts); c.340_341insC, p.Lys114Thrfs (NM_001407451.1); c.238_239insC, p.Lys80Thrfs (NM_001407453.1); c.-621_-620insC (NM_001407470.1, NM_001407471.1, NM_001407472.1 and 1 more transcripts); and 1 more; short protein forms K139fs, K114fs, K149fs, K80fs.
Identifiers: ClinVar variation 1738258 (VCV001738258.2), dbSNP rs2532302934, ClinGen allele CA2580072407.

ClinVar aggregate classification (germline): Pathogenic (1 of 4 stars; one submission).

Conditions:
Hereditary cancer-predisposing syndrome. Also called: Neoplastic Syndromes, Hereditary; Tumor predisposition; Hereditary Cancer Syndrome; Hereditary neoplastic syndrome. Identifiers: Orphanet 140162, MedGen C0027672, MeSH D009386, MONDO:0015356.

Submission:

Ambry Genetics
Classification: Pathogenic for Hereditary cancer-predisposing syndrome. Last evaluated: 2021-05-17. Review status: criteria provided, single submitter. Criteria: Ambry Variant Classification Scheme 2023. Collection method: clinical testing. Allele origin: germline.
Comment: The c.415_416insC pathogenic mutation, located in coding exon 3 of the APC gene, results from an insertion of one nucleotide at position 415, causing a translational frameshift with a predicted alternate stop codon (p.K139Tfs*9). This alteration is expected to result in loss of function by premature protein truncation or nonsense-mediated mRNA decay. As such, this alteration is interpreted as a disease-causing mutation.